The following is an entry in ClinVar:

ClinVar aggregate classification (germline): Uncertain significance (1 of 4 stars; one submission).

Conditions:
Primary ciliary dyskinesia. Also called: Ciliary dyskinesia. Identifiers: Orphanet 244, MedGen C0008780, MONDO:0016575, HP:0012265.

Submission:

Labcorp Genetics (formerly Invitae), Labcorp
Classification: Uncertain significance for Primary ciliary dyskinesia. Last evaluated: 2022-11-15. Review status: criteria provided, single submitter. Criteria: Invitae Variant Classification Sherloc (09022015). Collection method: clinical testing. Allele origin: germline.
Comment: Advanced modeling of protein sequence and biophysical properties (such as structural, functional, and spatial information, amino acid conservation, physicochemical variation, residue mobility, and thermodynamic stability) performed at Invitae indicates that this missense variant is not expected to disrupt DNAH8 protein function. This variant has not been reported in the literature in individuals affected with DNAH8-related conditions. This variant is not present in population databases (gnomAD no frequency). This sequence change replaces threonine, which is neutral and polar, with asparagine, which is neutral and polar, at codon 4541 of the DNAH8 protein (p.Thr4541Asn). In summary, the available evidence is currently insufficient to determine the role of this variant in disease. Therefore, it has been classified as a Variant of Uncertain Significance.

NM_001206927.2(DNAH8):c.13622C>A (p.Thr4541Asn)

Gene: DNAH8 (dynein axonemal heavy chain 8; plus strand). Cytogenetic location: 6p21.2.
Variant type: single nucleotide variant.
Coding change: c.13622C>A on transcript NM_001206927.2 (MANE Select); coding-DNA position 13622, C replaced by A.
Protein change: p.Thr4541Asn; replaces threonine 4541 with asparagine.
Molecular consequence: missense variant.
Genome position (GRCh38, 1-based): chr6:39,012,545, C>A. VCF-style: chr6-39012545-C-A. GRCh37 (hg19) VCF-style: chr6-38980321-C-A.
Other names: c.12971C>A, p.Thr4324Asn (NM_001371.4); short protein forms T4541N, T4324N.
Identifiers: ClinVar variation 1996894 (VCV001996894.4), dbSNP rs2534081344, ClinGen allele CA363994587.